The following is an entry in ClinVar:

NM_000051.4(ATM):c.8140C>A (p.Gln2714Lys)

Genes: ATM (ATM serine/threonine kinase; plus strand), C11orf65 (chromosome 11 open reading frame 65; minus strand). Cytogenetic location: 11q22.3.
Variant type: single nucleotide variant.
Coding change: c.8140C>A on transcript NM_000051.4 (MANE Select); coding-DNA position 8140, C replaced by A.
Protein change: p.Gln2714Lys; replaces glutamine 2714 with lysine.
Molecular consequence: missense variant. On other transcripts: intron variant (2).
Genome position (GRCh38, 1-based): chr11:108,335,098, C>A. VCF-style: chr11-108335098-C-A. GRCh37 (hg19) VCF-style: chr11-108205825-C-A.
Other names: c.8140C>A, p.Gln2714Lys (NM_001351834.2); c.641-26027G>T (NM_001330368.2); c.*38+122G>T (NM_001351110.2); short protein forms Q2714K.
Identifiers: ClinVar variation 524363 (VCV000524363.15), dbSNP rs1060501695, ClinGen allele CA382562232.

ClinVar aggregate classification (germline): Uncertain significance. Review status: criteria provided, multiple submitters, no conflicts (2 of 4 stars). 4 submissions from 4 submitters: Uncertain significance (3). 1 of the submissions does not count toward it. Last evaluated 2025-12-14.

Conditions:
Hereditary cancer-predisposing syndrome. Also called: Hereditary Cancer Syndrome; Neoplastic Syndromes, Hereditary; Tumor predisposition; Hereditary neoplastic syndrome. Identifiers: Orphanet 140162, MedGen C0027672, MeSH D009386, MONDO:0015356.
Ataxia-telangiectasia syndrome (AT). Also called: Cerebello-oculocutaneous telangiectasia; Immunodeficiency with ataxia telangiectasia; Ataxia-telangiectasia, complementation group E; Ataxia-telangiectasia, complementation group D; AT, COMPLEMENTATION GROUP C; ATAXIA-TELANGIECTASIA, COMPLEMENTATION GROUP A. Identifiers: Orphanet 100, MedGen C0004135, MONDO:0008840, OMIM 208900.

Submissions (4):

Labcorp Genetics (formerly Invitae), Labcorp
Classification: Uncertain significance for Ataxia-telangiectasia syndrome. Last evaluated: 2025-12-14. Review status: criteria provided, single submitter. Criteria: Invitae Variant Classification Sherloc (09022015). Collection method: clinical testing. Allele origin: germline.
Comment: This sequence change replaces glutamine, which is neutral and polar, with lysine, which is basic and polar, at codon 2714 of the ATM protein (p.Gln2714Lys). This variant is not present in population databases (gnomAD no frequency). This variant has not been reported in the literature in individuals affected with ATM-related conditions. ClinVar contains an entry for this variant (Variation ID: 524363). Invitae Evidence Modeling of protein sequence and biophysical properties (such as structural, functional, and spatial information, amino acid conservation, physicochemical variation, residue mobility, and thermodynamic stability) indicates that this missense variant is expected to disrupt ATM protein function with a positive predictive value of 95%. In summary, the available evidence is currently insufficient to determine the role of this variant in disease. Therefore, it has been classified as a Variant of Uncertain Significance.

Ambry Genetics
Classification: Uncertain significance for Hereditary cancer-predisposing syndrome. Last evaluated: 2024-09-19. Review status: criteria provided, single submitter. Criteria: Ambry Variant Classification Scheme 2023. Collection method: clinical testing. Allele origin: germline.
Comment: The p.Q2714K variant (also known as c.8140C>A), located in coding exon 54 of the ATM gene, results from a C to A substitution at nucleotide position 8140. The glutamine at codon 2714 is replaced by lysine, an amino acid with similar properties. This amino acid position is highly conserved in available vertebrate species. In addition, this alteration is predicted to be deleterious by in silico analysis. Based on the available evidence, the clinical significance of this variant remains unclear.

Women's Health and Genetics/Laboratory Corporation of America, LabCorp
Classification: Uncertain significance. Last evaluated: 2024-01-04. Review status: criteria provided, single submitter. Criteria: LabCorp Variant Classification Summary - May 2015. Collection method: clinical testing. Allele origin: germline.

Natera, Inc.
Classification: Uncertain significance for Ataxia-telangiectasia. Last evaluated: 2025-03-10. Review status: no assertion criteria provided. Collection method: clinical testing. Allele origin: germline. Not counted in ClinVar's aggregate classification.